The following is an entry in ClinVar:

NM_000136.3(FANCC):c.1347del (p.Leu450fs)

Genes: AOPEP (aminopeptidase O (putative); plus strand), FANCC (FA complementation group C; minus strand). Cytogenetic location: 9q22.32.
Variant type: Deletion.
Coding change: c.1347del on transcript NM_000136.3 (MANE Select); coding-DNA position 1347, one base deleted (G; older notation c.1347delG).
Protein change: p.Leu450fs; shifts the reading frame from leucine 450.
Molecular consequence: frameshift variant.
Genome position (GRCh38, 1-based): chr9:95,107,252, C deleted on the plus strand (G on the coding strand, the reverse complement: FANCC is on the minus strand). VCF-style (leftmost placement, unchanged base first): chr9-95107251-GC-G. GRCh37 (hg19) VCF-style: chr9-97869533-GC-G.
Other names: c.1347del, p.Leu450fs (NM_001243743.2); short protein forms L450fs.
Identifiers: ClinVar variation 5004246 (VCV005004246.1).

ClinVar aggregate classification (germline): Pathogenic (1 of 4 stars; one submission).

Conditions:
Fanconi anemia complementation group C (FANCC). Also called: FANCONI PANCYTOPENIA, TYPE 3; FACC; Fanconi anemia, group C; FANCC-Related Fanconi Anemia. Identifiers: Orphanet 84, MedGen C3468041, MONDO:0009213, OMIM 227645.

Submission:

Myriad Genetics, Inc.
Classification: Pathogenic for Fanconi anemia complementation group C. Last evaluated: 2025-10-27. Review status: criteria provided, single submitter. Criteria: Myriad Autosomal Dominant, Autosomal Recessive and X-Linked Classification Criteria (2023). Collection method: clinical testing. Allele origin: unknown.
Comment: NM_000136.2(FANCC):c.1347delG(L450Wfs*21) is a frameshift variant classified as pathogenic in the context of Fanconi anemia, FANCC-related. L450Wfs*21 has not been observed in cases with relevant disease. Relevant functional assessments of this variant are not available in the literature. L450Wfs*21 has not been observed in referenced population frequency databases. In summary, NM_000136.2(FANCC):c.1347delG(L450Wfs*21) is a frameshift variant in a gene where loss of function is a known mechanism of disease and is predicted to disrupt protein function. Please note: this variant was assessed in the context of healthy population screening.